The following is an entry in ClinVar:

ClinVar aggregate classification (germline): Uncertain significance (1 of 4 stars; one submission).

Allele frequency attached by ClinVar (database versions not stated): TOPMed below 0.00001.

Submission:

Labcorp Genetics (formerly Invitae), Labcorp
Classification: Uncertain significance. Last evaluated: 2024-10-16. Review status: criteria provided, single submitter. Criteria: Invitae Variant Classification Sherloc (09022015). Collection method: clinical testing. Allele origin: germline.
Comment: This sequence change replaces serine, which is neutral and polar, with asparagine, which is neutral and polar, at codon 4325 of the ANK3 protein (p.Ser4325Asn). This variant is not present in population databases (gnomAD no frequency). This variant has not been reported in the literature in individuals affected with ANK3-related conditions. ClinVar contains an entry for this variant (Variation ID: 1920793). An algorithm developed to predict the effect of missense changes on protein structure and function (PolyPhen-2) suggests that this variant is likely to be tolerated. In summary, the available evidence is currently insufficient to determine the role of this variant in disease. Therefore, it has been classified as a Variant of Uncertain Significance.

NM_020987.5(ANK3):c.12974G>A (p.Ser4325Asn)

Gene: ANK3 (ankyrin 3; minus strand). Cytogenetic location: 10q21.2.
Variant type: single nucleotide variant.
Coding change: c.12974G>A on transcript NM_020987.5 (MANE Select); coding-DNA position 12974, G replaced by A.
Protein change: p.Ser4325Asn; replaces serine 4325 with asparagine.
Molecular consequence: missense variant.
Genome position (GRCh38, 1-based): chr10:60,055,749, C>T on the plus strand (G>A on the coding strand, the complement: ANK3 is on the minus strand). VCF-style: chr10-60055749-C-T. GRCh37 (hg19) VCF-style: chr10-61815507-C-T.
Other names: c.2846G>A, p.Ser949Asn (NM_001149.4); c.5426G>A, p.Ser1809Asn (NM_001204403.2); c.5447G>A, p.Ser1816Asn (NM_001204404.2); c.5444G>A, p.Ser1815Asn (NM_001320874.2); short protein forms S1816N, S949N, S1809N, S1815N, S4325N.
Identifiers: ClinVar variation 1920793 (VCV001920793.5), dbSNP rs960481817, ClinGen allele CA207317372.